The following is an entry in ClinVar:

NM_139343.3(BIN1):c.1265C>T (p.Pro422Leu)

Gene: BIN1 (bridging integrator 1; minus strand). Cytogenetic location: 2q14.3.
Variant type: single nucleotide variant.
Coding change: c.1265C>T on transcript NM_139343.3 (MANE Select); coding-DNA position 1265, C replaced by T.
Protein change: p.Pro422Leu; replaces proline 422 with leucine.
Molecular consequence: missense variant. On other transcripts: intron variant (9).
Genome position (GRCh38, 1-based): chr2:127,052,361, G>A on the plus strand (C>T on the coding strand, the complement: BIN1 is on the minus strand). VCF-style: chr2-127052361-G-A. GRCh37 (hg19) VCF-style: chr2-127809937-G-A.
Other names: c.1172C>T, p.Pro391Leu (NM_001320641.2); c.1184C>T, p.Pro395Leu (NM_001320642.1); c.1136C>T, p.Pro379Leu (NM_139344.3); c.1004C>T, p.Pro335Leu (NM_139345.3); c.1040C>T, p.Pro347Leu (NM_139347.3); c.911C>T, p.Pro304Leu (NM_139349.3); c.838-1449C>T (NM_001320634.1); c.910-1449C>T (NM_139351.3); and 7 more; short protein forms P304L, P347L, P379L, P391L, P335L, P422L, P395L.
Identifiers: ClinVar variation 1417845 (VCV001417845.6), dbSNP rs760559539, ClinGen allele CA1857109.

ClinVar aggregate classification (germline): Uncertain significance (1 of 4 stars; one submission).

Conditions:
Myopathy, centronuclear, 2 (CNM2). Also called: MYOTUBULAR MYOPATHY, AUTOSOMAL RECESSIVE. Identifiers: Orphanet 169186, MedGen CN031787, MONDO:0009709, OMIM 255200.

Allele frequency attached by ClinVar (database versions not stated): ExAC 0.00004; gnomAD exomes 0.00002.
gnomAD v4.1: 4 of 1,575,606 alleles (0.00025%); highest among the groups gnomAD compares: Admixed American, 0.0073%; no homozygotes.

Submission:

Labcorp Genetics (formerly Invitae), Labcorp
Classification: Uncertain significance for Myopathy, centronuclear, 2. Last evaluated: 2024-12-16. Review status: criteria provided, single submitter. Criteria: Invitae Variant Classification Sherloc (09022015). Collection method: clinical testing. Allele origin: germline.
Comment: This sequence change replaces proline, which is neutral and non-polar, with leucine, which is neutral and non-polar, at codon 422 of the BIN1 protein (p.Pro422Leu). This variant is present in population databases (rs760559539, gnomAD 0.01%). This variant has not been reported in the literature in individuals affected with BIN1-related conditions. ClinVar contains an entry for this variant (Variation ID: 1417845). An algorithm developed to predict the effect of missense changes on protein structure and function (PolyPhen-2) suggests that this variant is likely to be tolerated. In summary, the available evidence is currently insufficient to determine the role of this variant in disease. Therefore, it has been classified as a Variant of Uncertain Significance.